The following is an entry in ClinVar:

ClinVar aggregate classification (germline): Benign/Likely benign. Review status: criteria provided, multiple submitters, no conflicts (2 of 4 stars). 3 submissions from 3 submitters: Benign (1); Likely benign (2). Last evaluated 2025-11-24.

Conditions:
Inborn genetic diseases. Identifiers: MedGen C0950123, MeSH D030342.

Allele frequency attached by ClinVar (database versions not stated): gnomAD 0.00002; TOPMed 0.00002; gnomAD exomes 0.00003; ExAC 0.00004.
gnomAD v4.1: 53 of 1,614,082 alleles (0.0033%); highest among the groups gnomAD compares: Middle Eastern, 0.033%; no homozygotes.

Submissions (3):

Labcorp Genetics (formerly Invitae), Labcorp
Classification: Benign. Last evaluated: 2025-11-24. Review status: criteria provided, single submitter. Criteria: Invitae Variant Classification Sherloc (09022015). Collection method: clinical testing. Allele origin: germline.

CeGaT Center for Human Genetics Tuebingen
Classification: Likely benign. Last evaluated: 2025-02-01. Review status: criteria provided, single submitter. Criteria: CeGaT Center For Human Genetics Tuebingen Variant Classification Criteria Version 2. Collection method: clinical testing. Allele origin: germline. Affected: yes. Observed: 2 variant alleles.
Comment: KMT2A: BP4

Ambry Genetics
Classification: Likely benign for Inborn genetic diseases. Last evaluated: 2024-05-16. Review status: criteria provided, single submitter. Criteria: Ambry Variant Classification Scheme 2023. Collection method: clinical testing. Allele origin: germline.

NM_001197104.2(KMT2A):c.3907C>G (p.Leu1303Val)

Gene: KMT2A (lysine methyltransferase 2A; plus strand). Cytogenetic location: 11q23.3.
Variant type: single nucleotide variant.
Coding change: c.3907C>G on transcript NM_001197104.2 (MANE Select); coding-DNA position 3907, C replaced by G.
Protein change: p.Leu1303Val; replaces leucine 1303 with valine.
Molecular consequence: missense variant.
Genome position (GRCh38, 1-based): chr11:118,481,987, C>G. VCF-style: chr11-118481987-C-G. GRCh37 (hg19) VCF-style: chr11-118352702-C-G.
Other names: c.3907C>G (NM_001197104.1); c.3907C>G, p.Leu1303Val (NM_005933.4); short protein forms L1303V.
Identifiers: ClinVar variation 1529776 (VCV001529776.32), dbSNP rs782491835, ClinGen allele CA6303744.
Genomic context (GRCh38, chr11:118,481,987, plus strand): 5'-TCCAAACAGGCCACCACTCCAGCTTCCAGGAAGTCAAGCAAGCAGGTCTCCCAGCCAGCA[C>G]TGGTCATCCCGCCTCAGCCACCTACTACAGGACCGCCAAGAAAAGAAGTTCCCAAAACCA-3'
Protein context (NP_001184033.1, residues 1293-1313): KSSKQVSQPA[Leu1303Val]VIPPQPPTTG